The following is an entry in ClinVar:

ClinVar aggregate classification (germline): Pathogenic (1 of 4 stars; one submission).

Conditions:
Autosomal recessive limb-girdle muscular dystrophy type 2C (LGMDR5). Also called: MUSCULAR DYSTROPHY, DUCHENNE-LIKE; MUSCULAR DYSTROPHY, LIMB-GIRDLE, AUTOSOMAL RECESSIVE 5. Identifiers: Orphanet 353, MedGen C0410173, MONDO:0009677, OMIM 253700. Disease mechanism: Affects gamma-sarcoglycan and also disrupts the integrity of the entire sarcoglycan complex..

Submission:

Labcorp Genetics (formerly Invitae), Labcorp
Classification: Pathogenic for Autosomal recessive limb-girdle muscular dystrophy type 2C. Last evaluated: 2020-07-15. Review status: criteria provided, single submitter. Criteria: Invitae Variant Classification Sherloc (09022015). Collection method: clinical testing. Allele origin: germline.
Comment: For these reasons, this variant has been classified as Pathogenic. Retrotransposon insertions including LINE1 (L1), Alu, and SVA (SINE-VNTR-Alu) have been reported to disrupt protein function (PMID: 19763152, 20307669, 22406018). This variant disrupts the C-terminus of the SGCG protein. Other variant(s) that disrupt this region (p.Thr251Serfs*29) have been determined to be pathogenic (Invitae). This suggests that variants that disrupt this region of the protein are likely to be causative of disease. Algorithms developed to predict the effect of sequence changes on RNA splicing suggest that this variant may create or strengthen a splice site, but this prediction has not been confirmed by published transcriptional studies. This variant has not been reported in the literature in individuals with SGCG-related conditions. This variant is not present in population databases (ExAC no frequency). This sequence change inserts a large fragment of DNA, likely a transposable element, in exon 7 of the SGCG gene (c.673_674insAlu), causing a frameshift at codon 225 (p.Asp225fs). The exact size and sequence of the insertion cannot be determined by the current assay. However, the insertion is expected to result in an absent or disrupted protein product.

Literature cited by the submitters: PubMed 19763152; PubMed 20307669; PubMed 22406018.

NM_000231.3(SGCG):c.673_674insTATTCTTTTTCTTTTTTTTTTTTTTTTTTTTNNNNNNNNNNGACGGGGTTTCACCGTGTTAGCCAGGATGGTCTCGATCTCCTGACCTCGTGATCCGCCCGTCTCGGCCTCCCAAAGTGCTGGGATTACAGGCGTGAGCCACCGCGCCCGGCC (p.Asp225delinsValPhePhePhePhePhePhePhePhePheXaaXaaXaaXaaAspGlyValSerProCysTer)

Gene: SGCG (sarcoglycan gamma; plus strand). Cytogenetic location: 13q12.12.
Variant type: Insertion.
Coding change: c.673_674insTATTCTTTTTCTTTTTTTTTTTTTTTTTTTTNNNNNNNNNNGACGGGGTTTCACCGTGTTAGCCAGGATGGTCTCGATCTCCTGACCTCGTGATCCGCCCGTCTCGGCCTCCCAAAGTGCTGGGATTACAGGCGTGAGCCACCGCGCCCGGCC on transcript NM_000231.3 (MANE Select); coding-DNA positions 673 to 674, TATTCTTTTTCTTTTTTTTTTTTTTTTTTTTNNNNNNNNNNGACGGGGTTTCACCGTGTTAGCCAGGATGGTCTCGATCTCCTGACCTCGTGATCCGCCCGTCTCGGCCTCCCAAAGTGCTGGGATTACAGGCGTGAGCCACCGCGCCCGGCC inserted.
Protein change: p.Asp225delinsValPhePhePhePhePhePhePhePhePheXaaXaaXaaXaaAspGlyValSerProCysTer.
Molecular consequence: nonsense.
Genome position: GRCh38: chr13:23,320,731-23,320,732. GRCh37 (hg19): chr13:23,894,870-23,894,871.
Other names: c.727_728insTATTCTTTTTCTTTTTTTTTTTTTTTTTTTTNNNNNNNNNNGACGGGGTTTCACCGTGTTAGCCAGGATGGTCTCGATCTCCTGACCTCGTGATCCGCCCGTCTCGGCCTCCCAAAGTGCTGGGATTACAGGCGTGAGCCACCGCGCCCGGCC, p.Asp243delinsValPhePhePhePhePhePhePhePhePheXaaXaaXaaXaaAspGlyValSerProCysTer (NM_001378244.1); c.673_674insTATTCTTTTTCTTTTTTTTTTTTTTTTTTTTNNNNNNNNNNGACGGGGTTTCACCGTGTTAGCCAGGATGGTCTCGATCTCCTGACCTCGTGATCCGCCCGTCTCGGCCTCCCAAAGTGCTGGGATTACAGGCGTGAGCCACCGCGCCCGGCC, p.Asp225delinsValPhePhePhePhePhePhePhePhePheXaaXaaXaaXaaAspGlyValSerProCysTer (NM_001378245.1, NM_001378246.1).
Identifiers: ClinVar variation 1071940 (VCV001071940.9), dbSNP rs2137528297.